The following is an entry in ClinVar:

NM_001290060.2(SEMA3B):c.1252C>T (p.Arg418Cys)

Gene: SEMA3B (semaphorin 3B; plus strand). Cytogenetic location: 3p21.31.
Variant type: single nucleotide variant.
Coding change: c.1252C>T on transcript NM_001290060.2 (MANE Select); coding-DNA position 1252, C replaced by T.
Protein change: p.Arg418Cys; replaces arginine 418 with cysteine.
Molecular consequence: missense variant. On other transcripts: non-coding transcript variant (1).
Genome position (GRCh38, 1-based): chr3:50,274,477, C>T. VCF-style: chr3-50274477-C-T. GRCh37 (hg19) VCF-style: chr3-50311908-C-T.
Other names: c.1249C>T, p.Arg417Cys (NM_001005914.3); c.1267C>T, p.Arg423Cys (NM_001290061.1); c.223C>T, p.Arg75Cys (NM_001290062.2, NM_001290063.2); c.1252C>T, p.Arg418Cys (NM_004636.4); short protein forms R417C, R418C, R423C, R75C.
Identifiers: ClinVar variation 3348099 (VCV003348099.1).

ClinVar aggregate classification (germline): Uncertain significance (0 of 4 stars; one submission).

Conditions:
SEMA3B-related disorder. Also called: SEMA3B-related condition.

gnomAD v4.1: 3 of 1,550,554 alleles (0.00019%); highest among the groups gnomAD compares: East Asian, 0.0023%; no homozygotes.

Submission:

PreventionGenetics, part of Exact Sciences
Classification: Uncertain significance for SEMA3B-related condition. Last evaluated: 2024-02-21. Review status: no assertion criteria provided. Collection method: clinical testing. Allele origin: germline.
Comment: The SEMA3B c.1267C>T variant is predicted to result in the amino acid substitution p.Arg423Cys. To our knowledge, this variant has not been reported in the literature. This variant is reported in 0.0065% of alleles in individuals of East Asian descent in gnomAD. At this time, the clinical significance of this variant is uncertain due to the absence of conclusive functional and genetic evidence.